The following is an entry in ClinVar:

NM_006073.4(TRDN):c.613C>T (p.Gln205Ter)

Gene: TRDN (triadin; minus strand). Cytogenetic location: 6q22.31.
Variant type: single nucleotide variant.
Coding change: c.613C>T on transcript NM_006073.4 (MANE Select); coding-DNA position 613, C replaced by T.
Protein change: p.Gln205Ter; replaces glutamine 205 with a stop codon.
Molecular consequence: nonsense.
Genome position (GRCh38, 1-based): chr6:123,503,899, G>A on the plus strand (C>T on the coding strand, the complement: TRDN is on the minus strand). VCF-style: chr6-123503899-G-A. GRCh37 (hg19) VCF-style: chr6-123825044-G-A.
Other names: c.613C>T, p.Gln205Ter (NM_001251987.2, NM_001256020.2, NM_001256021.2); c.613C>T (NM_001256020.1); short protein forms Q205*.
Identifiers: ClinVar variation 66016 (VCV000066016.61), dbSNP rs397515458, ClinGen allele CA144820.

ClinVar aggregate classification (germline): Pathogenic/Likely pathogenic. Review status: criteria provided, multiple submitters, no conflicts (2 of 4 stars). 9 submissions from 8 submitters: Pathogenic (7); Likely pathogenic (1). 1 of the submissions does not count toward it. Last evaluated 2025-03-09.

Conditions:
Catecholaminergic polymorphic ventricular tachycardia 5 (CARDAR). Also called: Ventricular tachycardia, catecholaminergic polymorphic, 5, with or without muscle weakness; CARDIAC ARRHYTHMIA SYNDROME, WITH OR WITHOUT SKELETAL MUSCLE WEAKNESS. Identifiers: Orphanet 3286, MedGen C3809536, MONDO:0014191, OMIM 615441.
Catecholaminergic polymorphic ventricular tachycardia 1. Also called: VENTRICULAR TACHYCARDIA, CATECHOLAMINERGIC POLYMORPHIC, 1, WITH OR WITHOUT ATRIAL DYSFUNCTION AND/OR DILATED CARDIOMYOPATHY; RYR2-Related Catecholaminergic Polymorphic Ventricular Tachycardia; VENTRICULAR TACHYCARDIA, STRESS-INDUCED POLYMORPHIC 1. Identifiers: Orphanet 3286, MedGen C1631597, MONDO:0011484, OMIM 604772.
Cardiovascular phenotype. Identifiers: MedGen CN230736.
Catecholaminergic polymorphic ventricular tachycardia (CVPT). Also called: Catecholamine-induced polymorphic ventricular tachycardia. Identifiers: Orphanet 3286, MedGen C5574922, MONDO:0017990.

Allele frequency attached by ClinVar (database versions not stated): ExAC 0.00003; gnomAD exomes 0.00003 and 0.00004; TOPMed 0.00004; gnomAD 0.00006.
gnomAD v4.1: 65 of 1,553,472 alleles (0.0042%); highest among the groups gnomAD compares: African/African-American, 0.0055%; no homozygotes.

Submissions (9):

Labcorp Genetics (formerly Invitae), Labcorp
Classification: Pathogenic for Catecholaminergic polymorphic ventricular tachycardia 1. Last evaluated: 2025-03-09. Review status: criteria provided, single submitter. Criteria: Invitae Variant Classification Sherloc (09022015). Collection method: clinical testing. Allele origin: germline.
Comment: This sequence change creates a premature translational stop signal (p.Gln205*) in the TRDN gene. It is expected to result in an absent or disrupted protein product. Loss-of-function variants in TRDN are known to be pathogenic (PMID: 22422768, 25922419, 26200674, 30649896). This variant is present in population databases (rs397515458, gnomAD 0.008%). This premature translational stop signal has been observed in individual(s) with catecholaminergic polymorphic ventricular tachycardia (CPVT) (PMID: 22422768, 26200674). In at least one individual the data is consistent with being in trans (on the opposite chromosome) from a pathogenic variant. ClinVar contains an entry for this variant (Variation ID: 66016). For these reasons, this variant has been classified as Pathogenic.

Women's Health and Genetics/Laboratory Corporation of America, LabCorp
Classification: Pathogenic for Catecholaminergic polymorphic ventricular tachycardia 1. Last evaluated: 2025-03-03. Review status: criteria provided, single submitter. Criteria: LabCorp Variant Classification Summary - May 2015. Collection method: clinical testing. Allele origin: germline.
Comment: Variant summary: TRDN c.613C>T (p.Gln205X) results in a premature termination codon, predicted to cause a truncation of the encoded protein or absence of the protein due to nonsense mediated decay, which are commonly known mechanisms for disease. The variant allele was found at a frequency of 3.1e-05 in 163614 control chromosomes (gnomAD). c.613C>T has been reported in the literature in individuals affected with Catecholaminergic Polymorphic Ventricular Tachycardia (e.g. Rooryck_2015). The following publication has been ascertained in the context of this evaluation (PMID: 26200674). ClinVar contains an entry for this variant (Variation ID: 66016). Based on the evidence outlined above, the variant was classified as pathogenic.

Fulgent Genetics
Classification: Pathogenic for Catecholaminergic polymorphic ventricular tachycardia 5. Last evaluated: 2024-04-23. Review status: criteria provided, single submitter. Criteria: ACMG Guidelines, 2015. Collection method: clinical testing. Allele origin: germline.

GeneDx
Classification: Pathogenic. Last evaluated: 2022-12-08. Review status: criteria provided, single submitter. Criteria: GeneDx Variant Classification Process June 2021. Collection method: clinical testing. Allele origin: germline. Affected: yes.
Comment: Nonsense variant predicted to result in protein truncation or nonsense mediated decay in a gene for which loss-of-function is a known mechanism of disease; Not observed at a significant frequency in large population cohorts (gnomAD); This variant is associated with the following publications: (PMID: 27538377, 31437535, 24025405, 22422768, 25922419, 30479949, 26200674)

Ambry Genetics
Classification: Pathogenic for Cardiovascular phenotype. Last evaluated: 2022-05-31. Review status: criteria provided, single submitter. Criteria: Ambry Variant Classification Scheme 2023. Collection method: clinical testing. Allele origin: germline.
Comment: The p.Q205* pathogenic mutation (also known as c.613C>T), located in coding exon 8 of the TRDN gene, results from a C to T substitution at nucleotide position 613. This changes the amino acid from a glutamine to a stop codon within coding exon 8. This mutation has been detected in two families with catecholaminergic polymorphic ventricular tachycardia (CPVT), where affected individuals were compound heterozygotes harboring an additional TRDN mutation; family members who were heterozygote carriers were reportedly unaffected (Roux-Buisson N et al. Hum. Mol. Genet., 2012 Jun;21:2759-67; Rooryck C et al. J. Cardiovasc. Electrophysiol., 2015 Oct;26:1146-50). This variant is considered to be rare based on population cohorts in the Genome Aggregation Database (gnomAD). In addition, this alteration is expected to result in loss of function by premature protein truncation or nonsense-mediated mRNA decay. As such, this alteration is interpreted as a disease-causing mutation.

Fulgent Genetics
Classification: Pathogenic for Catecholaminergic polymorphic ventricular tachycardia 1; Catecholaminergic polymorphic ventricular tachycardia 5. Last evaluated: 2022-02-01. Review status: criteria provided, single submitter. Criteria: ACMG Guidelines, 2015. Collection method: clinical testing. Allele origin: unknown.

AiLife Diagnostics
Classification: Pathogenic. Last evaluated: 2021-12-16. Review status: criteria provided, single submitter. Criteria: ACMG Guidelines, 2015. Collection method: clinical testing. Allele origin: germline. Affected: yes. Observed: 2 variant alleles.

Laboratory for Molecular Medicine, Mass General Brigham Personalized Medicine
Classification: Likely pathogenic for Catecholaminergic polymorphic ventricular tachycardia. Last evaluated: 2015-02-10. Review status: criteria provided, single submitter. Criteria: ACMG Guidelines, 2015. Collection method: clinical testing. Allele origin: germline. Inheritance: Autosomal recessive inheritance.
Comment: The p.Gln205X variant in TRDN has been reported in 2 siblings (homozygous) with catecholaminergic polymorphic ventricular tachycardia (Roux-Buisson 2012). This variant has been identified in 0.01% (1/14,084) of European chromosomes by the Exome Aggregation Consortium (ExAC; dbSNP rs397515458). This nonsense variant leads to a premature termination codon at position 205, which is predicted to lead to a truncated or absent protein. Homozygous or compound heterozygous loss of function of TRDN has been associated to catecholaminergic polymorphic ventricular tachycardia in one study. In summary, although additional studies are required to definitively establish the role of TRDN in CPVT, the p.Gln205X variant is likely pathogenic for this disorder.

OMIM
Classification: Pathogenic for CARDIAC ARRHYTHMIA SYNDROME WITH OR WITHOUT SKELETAL MUSCLE WEAKNESS. Last evaluated: 2012-06-15. Review status: no assertion criteria provided. Collection method: literature only. Allele origin: germline. Not counted in ClinVar's aggregate classification.

Literature cited by the submitters: PubMed 22422768 (cited by 5 submitters); PubMed 25922419 (cited by Labcorp Genetics (formerly Invitae), Labcorp); PubMed 26200674 (cited by 5 submitters); PubMed 30649896 (cited by Labcorp Genetics (formerly Invitae), Labcorp); PubMed 24025405 (cited by Ambry Genetics and AiLife Diagnostics); PubMed 27538377 (cited by Ambry Genetics and AiLife Diagnostics).